The following is an entry in ClinVar:

NM_003954.5(MAP3K14):c.1102C>T (p.Arg368Trp)

Gene: MAP3K14 (mitogen-activated protein kinase kinase kinase 14; minus strand). Cytogenetic location: 17q21.31.
Variant type: single nucleotide variant.
Coding change: c.1102C>T on transcript NM_003954.5 (MANE Select); coding-DNA position 1102, C replaced by T.
Protein change: p.Arg368Trp; replaces arginine 368 with tryptophan.
Molecular consequence: missense variant.
Genome position (GRCh38, 1-based): chr17:45,286,481, G>A on the plus strand (C>T on the coding strand, the complement: MAP3K14 is on the minus strand). VCF-style: chr17-45286481-G-A. GRCh37 (hg19) VCF-style: chr17-43363848-G-A.
Other names: short protein forms R368W.
Identifiers: ClinVar variation 2428361 (VCV002428361.3), dbSNP rs747993087, ClinGen allele CA8614223.

ClinVar aggregate classification (germline): Uncertain significance (1 of 4 stars; one submission).

Conditions:
NIK deficiency. Also called: Primary immunodeficiency with multifaceted aberrant lymphoid immunity. Identifiers: Orphanet 447731, MedGen C5680065, MONDO:0018642.

Allele frequency attached by ClinVar (database versions not stated): ExAC 0.00001; gnomAD 0.00001; gnomAD exomes 0.00001; TOPMed 0.00002.

Submission:

Labcorp Genetics (formerly Invitae), Labcorp
Classification: Uncertain significance for NIK deficiency. Last evaluated: 2021-12-15. Review status: criteria provided, single submitter. Criteria: Invitae Variant Classification Sherloc (09022015). Collection method: clinical testing. Allele origin: germline.
Comment: This sequence change replaces arginine, which is basic and polar, with tryptophan, which is neutral and slightly polar, at codon 368 of the MAP3K14 protein (p.Arg368Trp). This variant is present in population databases (rs747993087, gnomAD 0.005%). This variant has not been reported in the literature in individuals affected with MAP3K14-related conditions. Experimental studies and prediction algorithms are not available or were not evaluated, and the functional significance of this variant is currently unknown. In summary, the available evidence is currently insufficient to determine the role of this variant in disease. Therefore, it has been classified as a Variant of Uncertain Significance.